The following is an entry in ClinVar:

ClinVar aggregate classification (germline): Uncertain significance (1 of 4 stars; one submission).

Conditions:
Symmetrical dyschromatosis of extremities (DSH). Also called: RETICULATE ACROPIGMENTATION OF DOHI; SYMMETRIC DYSCHROMATOSIS OF THE EXTREMITIES; DYSCHROMATOSIS SYMMETRICA HEREDITARIA 1; Dyschromatosis symmetrica hereditaria. Identifiers: Orphanet 41, MedGen C0406775, MONDO:0007483, OMIM 127400.
Aicardi-Goutieres syndrome 6 (AGS6). Identifiers: Orphanet 51, MedGen C3539013, MONDO:0014007, OMIM 615010.

Allele frequency attached by ClinVar (database versions not stated): gnomAD exomes below 0.00001.

Submission:

Labcorp Genetics (formerly Invitae), Labcorp
Classification: Uncertain significance for Aicardi-Goutieres syndrome 6; Symmetrical dyschromatosis of extremities. Last evaluated: 2020-05-20. Review status: criteria provided, single submitter. Criteria: Invitae Variant Classification Sherloc (09022015). Collection method: clinical testing. Allele origin: germline.
Comment: This sequence change replaces asparagine with serine at codon 393 of the ADAR protein (p.Asn393Ser). The asparagine residue is weakly conserved and there is a small physicochemical difference between asparagine and serine. This variant is not present in population databases (ExAC no frequency). This variant has not been reported in the literature in individuals with ADAR-related conditions. Algorithms developed to predict the effect of missense changes on protein structure and function (SIFT, PolyPhen-2, Align-GVGD) all suggest that this variant is likely to be tolerated, but these predictions have not been confirmed by published functional studies and their clinical significance is uncertain. Algorithms developed to predict the effect of sequence changes on RNA splicing suggest that this variant may create or strengthen a splice site, but this prediction has not been confirmed by published transcriptional studies. In summary, the available evidence is currently insufficient to determine the role of this variant in disease. Therefore, it has been classified as a Variant of Uncertain Significance.

NM_001111.5(ADAR):c.1178A>G (p.Asn393Ser)

Gene: ADAR (adenosine deaminase RNA specific; minus strand). Cytogenetic location: 1q21.3.
Variant type: single nucleotide variant.
Coding change: c.1178A>G on transcript NM_001111.5 (MANE Select); coding-DNA position 1178, A replaced by G.
Protein change: p.Asn393Ser; replaces asparagine 393 with serine.
Molecular consequence: missense variant.
Genome position (GRCh38, 1-based): chr1:154,601,464, T>C on the plus strand (A>G on the coding strand, the complement: ADAR is on the minus strand). VCF-style: chr1-154601464-T-C. GRCh37 (hg19) VCF-style: chr1-154573940-T-C.
Other names: c.293A>G, p.Asn98Ser (NM_001025107.3, NM_001193495.2, NM_001365046.1 and 3 more transcripts); c.1205A>G, p.Asn402Ser (NM_001365045.1); c.1178A>G, p.Asn393Ser (NM_015840.4, NM_015841.4); short protein forms N402S, N393S, N98S.
Identifiers: ClinVar variation 1046499 (VCV001046499.8), dbSNP rs1697865468, ClinGen allele CA342597314.